The following is an entry in ClinVar:

NM_005529.7(HSPG2):c.4171G>A (p.Gly1391Ser)

Gene: HSPG2 (heparan sulfate proteoglycan 2; minus strand). Cytogenetic location: 1p36.12.
Variant type: single nucleotide variant.
Coding change: c.4171G>A on transcript NM_005529.7 (MANE Select); coding-DNA position 4171, G replaced by A.
Protein change: p.Gly1391Ser; replaces glycine 1391 with serine.
Molecular consequence: missense variant.
Genome position (GRCh38, 1-based): chr1:21,872,236, C>T on the plus strand (G>A on the coding strand, the complement: HSPG2 is on the minus strand). VCF-style: chr1-21872236-C-T. GRCh37 (hg19) VCF-style: chr1-22198729-C-T.
Other names: c.4171G>A (NM_005529.5, NM_005529.6); c.4174G>A, p.Gly1392Ser (NM_001291860.2); short protein forms G1391S, G1392S.
Identifiers: ClinVar variation 1409073 (VCV001409073.9), dbSNP rs751458185, ClinGen allele CA672357.

ClinVar aggregate classification (germline): Conflicting classifications of pathogenicity. Review status: criteria provided, conflicting classifications (1 of 4 stars). 5 submissions from 5 submitters: Uncertain significance (4); Likely benign (1). Last evaluated 2024-11-25.

Conditions:
HSPG2-related disorder. Also called: HSPG2-related disorders; HSPG2-related condition.
Inborn genetic diseases. Identifiers: MedGen C0950123, MeSH D030342.

Allele frequency attached by ClinVar (database versions not stated): gnomAD 0.00004 and 0.00005; gnomAD exomes 0.00004 and 0.00023; TOPMed 0.00012.
gnomAD v4.1: 64 of 1,552,480 alleles (0.0041%); highest among the groups gnomAD compares: Admixed American, 0.086%; no homozygotes.

Submissions (5):

PreventionGenetics, part of Exact Sciences
Classification: Uncertain significance for HSPG2-related condition. Last evaluated: 2024-11-25. Review status: criteria provided, single submitter. Criteria: ACMG Guidelines, 2015. Collection method: clinical testing. Allele origin: germline.
Comment: The HSPG2 c.4171G>A variant is predicted to result in the amino acid substitution p.Gly1391Ser. To our knowledge, this variant has not been reported in the literature. This variant is reported in 0.14% of alleles in individuals of Latino descent in gnomAD. Although we suspect that this variant may be benign, at this time, the clinical significance of this variant is uncertain due to the absence of conclusive functional and genetic evidence.

GeneDx
Classification: Uncertain significance. Last evaluated: 2024-02-21. Review status: criteria provided, single submitter. Criteria: GeneDx Variant Classification Process June 2021. Collection method: clinical testing. Allele origin: germline. Affected: yes.
Comment: In silico analysis supports that this missense variant does not alter protein structure/function; Has not been previously published as pathogenic or benign to our knowledge

Labcorp Genetics (formerly Invitae), Labcorp
Classification: Uncertain significance. Last evaluated: 2022-10-12. Review status: criteria provided, single submitter. Criteria: Invitae Variant Classification Sherloc (09022015). Collection method: clinical testing. Allele origin: germline.
Comment: This sequence change replaces glycine, which is neutral and non-polar, with serine, which is neutral and polar, at codon 1391 of the HSPG2 protein (p.Gly1391Ser). This variant is present in population databases (rs751458185, gnomAD 0.1%). This variant has not been reported in the literature in individuals affected with HSPG2-related conditions. ClinVar contains an entry for this variant (Variation ID: 1409073). Algorithms developed to predict the effect of missense changes on protein structure and function (SIFT, PolyPhen-2, Align-GVGD) all suggest that this variant is likely to be tolerated. In summary, the available evidence is currently insufficient to determine the role of this variant in disease. Therefore, it has been classified as a Variant of Uncertain Significance.

Ambry Genetics
Classification: Likely benign for Inborn genetic diseases. Last evaluated: 2021-07-13. Review status: criteria provided, single submitter. Criteria: Ambry Variant Classification Scheme 2023. Collection method: clinical testing. Allele origin: germline.

Breakthrough Genomics
Classification: Uncertain significance. Review status: criteria provided, single submitter. Criteria: ACMG Guidelines, 2015. Collection method: not provided. Allele origin: germline. Inheritance: Autosomal recessive inheritance. Affected: yes.